The following is an entry in ClinVar:

NM_001267550.2(TTN):c.64887G>C (p.Glu21629Asp)

Genes: TTN (titin; minus strand), TTN-AS1 (TTN antisense RNA 1; plus strand). Cytogenetic location: 2q31.2.
Variant type: single nucleotide variant.
Coding change: c.64887G>C on transcript NM_001267550.2 (MANE Select); coding-DNA position 64887, G replaced by C.
Protein change: p.Glu21629Asp; replaces glutamic acid 21629 with aspartic acid.
Molecular consequence: missense variant. On other transcripts: non-coding transcript variant (1).
Genome position (GRCh38, 1-based): chr2:178,584,754, C>G on the plus strand (G>C on the coding strand, the complement: TTN is on the minus strand). VCF-style: chr2-178584754-C-G. GRCh37 (hg19) VCF-style: chr2-179449481-C-G.
Other names: c.59964G>C, p.Glu19988Asp (NM_001256850.1); c.37692G>C, p.Glu12564Asp (NM_003319.4); c.57183G>C, p.Glu19061Asp (NM_133378.4); c.38067G>C, p.Glu12689Asp (NM_133432.3); c.38268G>C, p.Glu12756Asp (NM_133437.4); short protein forms E21629D, E19061D, E12689D, E12564D, E12756D, E19988D.
Identifiers: ClinVar variation 467372 (VCV000467372.4), dbSNP rs779232091, ClinGen allele CA1991823.

ClinVar aggregate classification (germline): Uncertain significance. Review status: criteria provided, multiple submitters, no conflicts (2 of 4 stars). 2 submissions from 2 submitters: Uncertain significance (2). Last evaluated 2026-05-13.

Conditions:
Dilated cardiomyopathy 1G (CMD1G). Identifiers: Orphanet 154, MedGen C1858763, MONDO:0011400, OMIM 604145.
Autosomal recessive limb-girdle muscular dystrophy type 2J (LGMDR10). Also called: Limb-girdle muscular dystrophy, type 2J; MUSCULAR DYSTROPHY, LIMB-GIRDLE, AUTOSOMAL RECESSIVE 10. Identifiers: Orphanet 140922, MedGen C1837342, MONDO:0012127, OMIM 608807.

Allele frequency attached by ClinVar (database versions not stated): gnomAD exomes below 0.00001; TOPMed below 0.00001; ExAC 0.00001; gnomAD 0.00001.
gnomAD v4.1: 3 of 1,613,376 alleles (0.00019%); highest among the groups gnomAD compares: African/African-American, 0.0013%; no homozygotes.

Submissions (2):

Women's Health and Genetics/Laboratory Corporation of America, LabCorp
Classification: Uncertain significance. Last evaluated: 2026-05-13. Review status: criteria provided, single submitter. Criteria: LabCorp Variant Classification Summary - May 2015. Collection method: clinical testing. Allele origin: germline.
Comment: Variant summary: TTN NM_133378:c.57183G>C (p.Glu19061Asp) (also known as NM_001267550:c.64887G>C (p.Glu21629Asp)) results in a conservative amino acid change in the encoded protein sequence. Algorithms developed to predict the effect of missense changes on protein structure and function are either unavailable or do not agree on the potential impact of this missense change. The variant allele was found at a frequency of 4e-06 in 248508 control chromosomes. The available data on variant occurrences in the general population are insufficient to allow any conclusion about variant significance. To our knowledge, no occurrence of c.57183G>C in individuals affected with TTN-related conditions and no experimental evidence demonstrating its impact on protein function have been reported. ClinVar contains an entry for this variant (Variation ID: 467372). Based on the evidence outlined above, the variant was classified as uncertain significance.

Labcorp Genetics (formerly Invitae), Labcorp
Classification: Uncertain significance for Dilated cardiomyopathy 1G; Autosomal recessive limb-girdle muscular dystrophy type 2J. Last evaluated: 2017-08-08. Review status: criteria provided, single submitter. Criteria: Invitae Variant Classification Sherloc (09022015). Collection method: clinical testing. Allele origin: germline.